The following is an entry in ClinVar:

NM_004656.4(BAP1):c.709C>G (p.Arg237Gly)

Gene: BAP1 (BRCA1 associated deubiquitinase 1; minus strand). Cytogenetic location: 3p21.1.
Variant type: single nucleotide variant.
Coding change: c.709C>G on transcript NM_004656.4 (MANE Select); coding-DNA position 709, C replaced by G.
Protein change: p.Arg237Gly; replaces arginine 237 with glycine.
Molecular consequence: missense variant.
Genome position (GRCh38, 1-based): chr3:52,406,327, G>C on the plus strand (C>G on the coding strand, the complement: BAP1 is on the minus strand). VCF-style: chr3-52406327-G-C. GRCh37 (hg19) VCF-style: chr3-52440343-G-C.
Other names: short protein forms R237G.
Identifiers: ClinVar variation 1757133 (VCV001757133.4), dbSNP rs1705157079, ClinGen allele CA353107334.
Genomic context (GRCh38, chr3:52,406,327, plus strand): 5'-CTAGTACTGTCTGACGGTTCACCTTCAGCACATGCAGCCTGGCCTCATACTTGATCCTGC[G>C]GTCGGGCACCACTGCCATCAGGTTGAAGCGGATGTCGTGGTAGGGCTCCCTGCAGTCACA-3'
Protein context (NP_004647.1, residues 227-247): RFNLMAVVPD[Arg237Gly]RIKYEARLHV

ClinVar aggregate classification (germline): Uncertain significance. Review status: criteria provided, multiple submitters, no conflicts (2 of 4 stars). 2 submissions from 2 submitters: Uncertain significance (2). Last evaluated 2025-12-11.

Conditions:
Hereditary cancer-predisposing syndrome. Also called: Neoplastic Syndromes, Hereditary; Tumor predisposition; Hereditary Cancer Syndrome; Hereditary neoplastic syndrome. Identifiers: Orphanet 140162, MedGen C0027672, MeSH D009386, MONDO:0015356.
BAP1-related tumor predisposition syndrome (TPDS1). Also called: COMMON Syndrome; TUMOR PREDISPOSITION SYNDROME 1; Tumor susceptibility linked to germline BAP1 mutations; BAP1 tumor predisposition syndrome. Identifiers: Orphanet 289539, MedGen C3280492, MONDO:0013692, OMIM 614327.

Submissions (2):

Ambry Genetics
Classification: Uncertain significance for Hereditary cancer-predisposing syndrome. Last evaluated: 2025-12-11. Review status: criteria provided, single submitter. Criteria: Ambry Variant Classification Scheme 2023. Collection method: clinical testing. Allele origin: germline.
Comment: The p.R237G variant (also known as c.709C>G), located in coding exon 9 of the BAP1 gene, results from a C to G substitution at nucleotide position 709. The arginine at codon 237 is replaced by glycine, an amino acid with dissimilar properties. This alteration was functional in a high throughput genome editing haploid cell survival functional assay (Waters AJ et al. Nat Genet, 2024 Jul;56:1434-1445). This amino acid position is highly conserved in available vertebrate species. In addition, this alteration is predicted to be deleterious by in silico analysis. Based on the available evidence, the clinical significance of this variant remains unclear.

Baylor Genetics
Classification: Uncertain significance for BAP1-related tumor predisposition syndrome. Last evaluated: 2023-11-27. Review status: criteria provided, single submitter. Criteria: ACMG Guidelines, 2015. Collection method: clinical testing. Allele origin: unknown.

Literature cited by the submitters: PubMed 38969833 (cited by Ambry Genetics).